The following is an entry in ClinVar:

NM_006946.4(SPTBN2):c.1581C>A (p.Leu527=)

Gene: SPTBN2 (spectrin beta, non-erythrocytic 2; minus strand). Cytogenetic location: 11q13.2.
Variant type: single nucleotide variant.
Coding change: c.1581C>A on transcript NM_006946.4 (MANE Select); coding-DNA position 1581, C replaced by A.
Protein change: p.Leu527=; no amino-acid change (leucine 527 retained).
Molecular consequence: synonymous variant.
Genome position (GRCh38, 1-based): chr11:66,707,588, G>T on the plus strand (C>A on the coding strand, the complement: SPTBN2 is on the minus strand). VCF-style: chr11-66707588-G-T. GRCh37 (hg19) VCF-style: chr11-66475059-G-T.
Other names: c.1602C>A, p.Leu534= (NM_001411025.1).
Identifiers: ClinVar variation 3571750 (VCV003571750.1).

ClinVar aggregate classification (germline): Uncertain significance (1 of 4 stars; one submission).

Submission:

Athena Diagnostics
Classification: Uncertain significance. Last evaluated: 2024-05-29. Review status: criteria provided, single submitter. Criteria: Athena Diagnostics Criteria. Collection method: clinical testing. Allele origin: unknown.
Comment: Available data are insufficient to determine the clinical significance of the variant at this time. This variant has not been reported in large, multi-ethnic general populations. Computational tools yielded predictions that this variant is unlikely to have an effect on normal RNA splicing.